The following is an entry in ClinVar:

ClinVar aggregate classification (germline): Uncertain significance (1 of 4 stars; one submission).

Allele frequency attached by ClinVar (database versions not stated): gnomAD exomes below 0.00001.
gnomAD v4.1: 1 of 1,613,640 alleles (0.000062%); highest among the groups gnomAD compares: Non-Finnish European, 0.000085%; no homozygotes.

Submission:

Labcorp Genetics (formerly Invitae), Labcorp
Classification: Uncertain significance. Last evaluated: 2025-08-21. Review status: criteria provided, single submitter. Criteria: Invitae Variant Classification Sherloc (09022015). Collection method: clinical testing. Allele origin: germline.
Comment: This sequence change replaces proline, which is neutral and non-polar, with glutamine, which is neutral and polar, at codon 770 of the C5 protein (p.Pro770Gln). This variant is not present in population databases (gnomAD no frequency). This variant has not been reported in the literature in individuals affected with C5-related conditions. ClinVar contains an entry for this variant (Variation ID: 2108535). Invitae Evidence Modeling of protein sequence and biophysical properties (such as structural, functional, and spatial information, amino acid conservation, physicochemical variation, residue mobility, and thermodynamic stability) has been performed for this missense variant. However, the output from this modeling did not meet the statistical confidence thresholds required to predict the impact of this variant on C5 protein function. In summary, the available evidence is currently insufficient to determine the role of this variant in disease. Therefore, it has been classified as a Variant of Uncertain Significance.

NM_001735.3(C5):c.2309C>A (p.Pro770Gln)

Gene: C5 (complement C5; minus strand). Cytogenetic location: 9q33.2.
Variant type: single nucleotide variant.
Coding change: c.2309C>A on transcript NM_001735.3 (MANE Select); coding-DNA position 2309, C replaced by A.
Protein change: p.Pro770Gln; replaces proline 770 with glutamine.
Molecular consequence: missense variant.
Genome position (GRCh38, 1-based): chr9:121,008,447, G>T on the plus strand (C>A on the coding strand, the complement: C5 is on the minus strand). VCF-style: chr9-121008447-G-T. GRCh37 (hg19) VCF-style: chr9-123770725-G-T.
Other names: c.2327C>A, p.Pro776Gln (NM_001317163.2); c.2309C>A, p.Pro770Gln (NM_001317164.2); short protein forms P770Q, P776Q.
Identifiers: ClinVar variation 2108535 (VCV002108535.4), dbSNP rs2540420359, ClinGen allele CA374741726.